The following is an entry in ClinVar:

ClinVar aggregate classification (germline): Pathogenic. Review status: reviewed by expert panel (3 of 4 stars). 3 submissions from 3 submitters: Pathogenic (1). 2 of the submissions do not count toward it. Last evaluated 2016-09-08.

Conditions:
Breast-ovarian cancer, familial, susceptibility to, 2 (BROVCA2). Also called: BRCA2 Hereditary Breast and Ovarian Cancer. Identifiers: Orphanet 145, MedGen C2675520, MONDO:0012933, OMIM 612555. Disease mechanism: loss of function.

Submissions (3):

Evidence-based Network for the Interpretation of Germline Mutant Alleles (ENIGMA)
Classification: Pathogenic for Breast-ovarian cancer, familial, susceptibility to, 2. Last evaluated: 2016-09-08. Review status: reviewed by expert panel. Criteria: ENIGMA BRCA1/2 Classification Criteria (2015). Collection method: curation. Allele origin: germline.
Comment: Variant allele predicted to encode a truncated non-functional protein.

Consortium of Investigators of Modifiers of BRCA1/2 (CIMBA), c/o University of Cambridge
Classification: Pathogenic for Breast-ovarian cancer, familial, susceptibility to, 2. Last evaluated: 2015-10-02. Review status: criteria provided, single submitter. Criteria: CIMBA Mutation Classification guidelines May 2016. Collection method: clinical testing. Allele origin: germline. Not counted in ClinVar's aggregate classification.

Breast Cancer Information Core (BIC) (BRCA2)
No classification provided. Condition: Breast-ovarian cancer, familial 2. Review status: no classification provided. Collection method: clinical testing. Allele origin: germline. Affected: yes. Observed: 2 variant alleles. Not counted in ClinVar's aggregate classification.

NM_000059.4(BRCA2):c.2049_2050del (p.Gln684fs)

Gene: BRCA2 (BRCA2 DNA repair associated; plus strand). Cytogenetic location: 13q13.1.
Variant type: Microsatellite.
Coding change: c.2049_2050del on transcript NM_000059.4 (MANE Select); coding-DNA positions 2049 to 2050, 2 bases deleted (TC; older notation c.2049_2050delTC).
Protein change: p.Gln684fs; shifts the reading frame from glutamine 684.
Molecular consequence: frameshift variant.
Genome position (GRCh38, 1-based): chr13:32,336,404-32,336,405, TC deleted; deleting any 2 consecutive bases within chr13:32,336,400-32,336,405 gives the same sequence; the c. name uses the placement nearest the transcript's 3' end. VCF-style (leftmost placement, unchanged base first): chr13-32336399-ATC-A. GRCh37 (hg19) VCF-style: chr13-32910536-ATC-A.
Other names: 2275delTC; 2277delTC; c.2049_2050delTC (NM_000059.3); short protein forms Q684fs.
Identifiers: ClinVar variation 51238 (VCV000051238.5), dbSNP rs80359319, ClinGen allele CA014228.
Genomic context (GRCh38, chr13:32,336,399, plus strand): 5'-TCTTTTGGGACAATTCTGAGGAAATGTTCTAGAAATGAAACATGTTCTAATAATACAGTA[ATC>A]TCTCAGGATCTTGATTATAAAGAAGCAAAATGTAATAAGGAAAAACTACAGTTATTTATT-3'